The following is an entry in ClinVar:

ClinVar aggregate classification (germline): Likely benign (1 of 4 stars; one submission).

gnomAD v4.1: 259 of 1,613,318 alleles (0.016%); highest among the groups gnomAD compares: Admixed American, 0.37%; no homozygotes.

Submission:

CeGaT Center for Human Genetics Tuebingen
Classification: Likely benign. Last evaluated: 2026-04-01. Review status: criteria provided, single submitter. Criteria: CeGaT Center For Human Genetics Tuebingen Variant Classification Criteria Version 2. Collection method: clinical testing. Allele origin: germline. Affected: yes. Observed: 2 variant alleles.
Comment: RFX7: PP3, BS1

NM_022841.7(RFX7):c.359C>T (p.Pro120Leu)

Gene: RFX7 (regulatory factor X7; minus strand). Cytogenetic location: 15q21.3.
Variant type: single nucleotide variant.
Coding change: c.359C>T on transcript NM_022841.7 (MANE Select); coding-DNA position 359, C replaced by T.
Protein change: p.Pro120Leu; replaces proline 120 with leucine.
Molecular consequence: missense variant.
Genome position (GRCh38, 1-based): chr15:56,142,820, G>A on the plus strand (C>T on the coding strand, the complement: RFX7 is on the minus strand). VCF-style: chr15-56142820-G-A. GRCh37 (hg19) VCF-style: chr15-56435018-G-A.
Other names: c.68C>T, p.Pro23Leu (NM_001368073.2, NM_001368074.1, NM_001370554.1); c.359C>T, p.Pro120Leu (NM_001370561.1); short protein forms P120L, P23L.
Identifiers: ClinVar variation 4821288 (VCV004821288.4).